The following is an entry in ClinVar:

NM_001042492.3(NF1):c.205-1G>A

Gene: NF1 (neurofibromin 1; plus strand). Cytogenetic location: 17q11.2.
Variant type: single nucleotide variant.
Coding change: c.205-1G>A on transcript NM_001042492.3 (MANE Select); the canonical splice acceptor site of the intron before coding-DNA position 205, G replaced by A.
Molecular consequence: splice acceptor variant.
Genome position (GRCh38, 1-based): chr17:31,159,009, G>A. VCF-style: chr17-31159009-G-A. GRCh37 (hg19) VCF-style: chr17-29486027-G-A.
Other names: c.205-1G>A (NM_000267.4, NM_001128147.3).
Identifiers: ClinVar variation 852374 (VCV000852374.10), dbSNP rs1555605362, ClinGen allele CA398989474.

ClinVar aggregate classification (germline): Pathogenic/Likely pathogenic. Review status: criteria provided, multiple submitters, no conflicts (2 of 4 stars). 3 submissions from 3 submitters: Pathogenic (2); Likely pathogenic (1). Last evaluated 2025-07-15.

Conditions:
Cardiovascular phenotype. Identifiers: MedGen CN230736.
Hereditary cancer-predisposing syndrome. Also called: Neoplastic Syndromes, Hereditary; Hereditary Cancer Syndrome; Hereditary neoplastic syndrome; Tumor predisposition. Identifiers: Orphanet 140162, MedGen C0027672, MeSH D009386, MONDO:0015356.
Neurofibromatosis, type 1 (NF1). Also called: Neurofibromatosis, type I; VON RECKLINGHAUSEN DISEASE; Peripheral type neurofibromatosis; NEUROFIBROMATOSIS, TYPE I, SOMATIC. Identifiers: Orphanet 636, MedGen C0027831, MONDO:0018975, OMIM 162200. Disease mechanism: loss of function.

Submissions (4):

Labcorp Genetics (formerly Invitae), Labcorp
Classification: Pathogenic for Neurofibromatosis, type 1. Last evaluated: 2025-07-15. Review status: criteria provided, single submitter. Criteria: Invitae Variant Classification Sherloc (09022015). Collection method: clinical testing. Allele origin: germline.
Comment: This sequence change affects an acceptor splice site in intron 2 of the NF1 gene. It is expected to disrupt RNA splicing. Variants that disrupt the donor or acceptor splice site typically lead to a loss of protein function (PMID: 16199547), and loss-of-function variants in NF1 are known to be pathogenic (PMID: 10712197, 23913538). This variant is not present in population databases (gnomAD no frequency). Disruption of this splice site has been observed in individuals with neurofibromatosis type I (PMID: 10712197, 23222849). ClinVar contains an entry for this variant (Variation ID: 852374). Algorithms developed to predict the effect of sequence changes on RNA splicing suggest that this variant may disrupt the consensus splice site. For these reasons, this variant has been classified as Pathogenic.

GeneDx
Classification: Pathogenic. Last evaluated: 2024-08-12. Review status: criteria provided, single submitter. Criteria: GeneDx Variant Classification Process June 2021. Collection method: clinical testing. Allele origin: germline. Affected: yes.
Comment: Canonical splice site variant predicted to result in an in-frame loss of the adjacent exon in a gene for which loss of function is a known mechanism of disease; Identified in a patient with neurofibromatosis type 1 in published literature (PMID: 10712197); Not observed at significant frequency in large population cohorts (gnomAD); Deletions involving coding exons of this gene are a known mechanism of disease (HGMD); This variant is associated with the following publications: (PMID: 25525159, 10712197)

Ambry Genetics
Classification: Likely pathogenic for Cardiovascular phenotype; Hereditary cancer-predisposing syndrome. Last evaluated: 2024-02-22. Review status: criteria provided, single submitter. Criteria: Ambry Variant Classification Scheme 2023. Collection method: clinical testing. Allele origin: germline.
Comment: The c.205-1G>A intronic variant results from a G to A substitution one nucleotide upstream from coding exon 3 of the NF1 gene. Alterations that disrupt the canonical splice site are expected to result in aberrant splicing. In silico splice site analysis predicts that this alteration will weaken the native splice acceptor site and will result in the creation or strengthening of a novel splice acceptor site. The resulting transcript is predicted to be in-frame and is not expected to trigger nonsense-mediated mRNAdecay; however, direct evidence is unavailable. The exact functional effect of the altered amino acid sequence is unknown; however, the impacted region is critical for protein function (Ambry internal data). This variant was identified in a cohort of 521 German and Turkish patients with a clinical diagnosis of neurofibromatosis type I (Fahsold R et al. Am J Hum Genet, 2000 Mar;66:790-818). This nucleotide position is highly conserved in available vertebrate species. Based on the majority of available evidence to date, this variant is likely to be pathogenic.

Dr. Peter K. Rogan Lab, Western University
No classification provided (evidence only). Condition: Melanoma. Review status: no classification provided. Collection method: in vitro. Allele origin: not applicable. Functional consequence: cryptic splice site. Not counted in ClinVar's aggregate classification.

Literature cited by the submitters: PubMed 16199547 (cited by Labcorp Genetics (formerly Invitae), Labcorp); PubMed 10712197 (cited by Labcorp Genetics (formerly Invitae), Labcorp); PubMed 23913538 (cited by Labcorp Genetics (formerly Invitae), Labcorp); PubMed 23222849 (cited by Labcorp Genetics (formerly Invitae), Labcorp).